The following is an entry in ClinVar:

NM_021620.4(PRDM13):c.737G>A (p.Gly246Glu)

Gene: PRDM13 (PR/SET domain 13; plus strand). Cytogenetic location: 6q16.2.
Variant type: single nucleotide variant.
Coding change: c.737G>A on transcript NM_021620.4 (MANE Select); coding-DNA position 737, G replaced by A.
Protein change: p.Gly246Glu; replaces glycine 246 with glutamic acid.
Molecular consequence: missense variant.
Genome position (GRCh38, 1-based): chr6:99,613,372, G>A. VCF-style: chr6-99613372-G-A. GRCh37 (hg19) VCF-style: chr6-100061248-G-A.
Other names: short protein forms G246E.
Identifiers: ClinVar variation 2005296 (VCV002005296.4), dbSNP rs768713243, ClinGen allele CA3936269.
Genomic context (GRCh38, chr6:99,613,372, plus strand): 5'-GCATCAAGCGCGAGGCCTCTTCCGCGCCCTCGGCCACCTCGCCGACCCCAGGCAAGTGGG[G>A]GCAGCCCAAGAAGGGCAAGGAGCAGCTGGACCGTGCCCTGGACATGAGCGGAGCCGCCCG-3'
Protein context (NP_067633.2, residues 236-256): SATSPTPGKW[Gly246Glu]QPKKGKEQLD

ClinVar aggregate classification (germline): Uncertain significance (1 of 4 stars; one submission).

Allele frequency attached by ClinVar (database versions not stated): TOPMed below 0.00001; gnomAD exomes 0.00001.

Submission:

Labcorp Genetics (formerly Invitae), Labcorp
Classification: Uncertain significance. Last evaluated: 2024-11-05. Review status: criteria provided, single submitter. Criteria: Invitae Variant Classification Sherloc (09022015). Collection method: clinical testing. Allele origin: germline.
Comment: This sequence change replaces glycine, which is neutral and non-polar, with glutamic acid, which is acidic and polar, at codon 246 of the PRDM13 protein (p.Gly246Glu). This variant is not present in population databases (gnomAD no frequency). This variant has not been reported in the literature in individuals affected with PRDM13-related conditions. ClinVar contains an entry for this variant (Variation ID: 2005296). An algorithm developed to predict the effect of missense changes on protein structure and function (PolyPhen-2) suggests that this variant is likely to be disruptive. In summary, the available evidence is currently insufficient to determine the role of this variant in disease. Therefore, it has been classified as a Variant of Uncertain Significance.